The following is an entry in ClinVar:

ClinVar aggregate classification (germline): Uncertain significance (0 of 4 stars; one submission).

Conditions:
VEGFC-related disorder. Also called: VEGFC-related condition.

gnomAD v4.1: 10 of 1,613,772 alleles (0.00062%); highest among the groups gnomAD compares: South Asian, 0.0033%; no homozygotes.

Submission:

PreventionGenetics, part of Exact Sciences
Classification: Uncertain significance for VEGFC-related condition. Last evaluated: 2024-04-23. Review status: no assertion criteria provided. Collection method: clinical testing. Allele origin: germline.
Comment: The VEGFC c.1157G>A variant is predicted to result in the amino acid substitution p.Arg386Gln. To our knowledge, this variant has not been reported in the literature. This variant is reported in 0.0033% of alleles in individuals of South Asian descent in gnomAD. At this time, the clinical significance of this variant is uncertain due to the absence of conclusive functional and genetic evidence.

NM_005429.5(VEGFC):c.1157G>A (p.Arg386Gln)

Genes: HAFML (HuR (ELAVL1) associated fibroblast migratory lncRNA; plus strand), VEGFC (vascular endothelial growth factor C; minus strand). Cytogenetic location: 4q34.3.
Variant type: single nucleotide variant.
Coding change: c.1157G>A on transcript NM_005429.5 (MANE Select); coding-DNA position 1157, G replaced by A.
Protein change: p.Arg386Gln; replaces arginine 386 with glutamine.
Molecular consequence: missense variant.
Genome position (GRCh38, 1-based): chr4:176,684,029, C>T on the plus strand (G>A on the coding strand, the complement: VEGFC is on the minus strand). VCF-style: chr4-176684029-C-T. GRCh37 (hg19) VCF-style: chr4-177605183-C-T.
Other names: short protein forms R386Q.
Identifiers: ClinVar variation 3353786 (VCV003353786.1).